The following is an entry in ClinVar:

ClinVar aggregate classification (germline): Uncertain significance (1 of 4 stars; one submission).

Submission:

Labcorp Genetics (formerly Invitae), Labcorp
Classification: Uncertain significance. Last evaluated: 2024-05-14. Review status: criteria provided, single submitter. Criteria: Invitae Variant Classification Sherloc (09022015). Collection method: clinical testing. Allele origin: germline.
Comment: This sequence change replaces aspartic acid, which is acidic and polar, with glycine, which is neutral and non-polar, at codon 218 of the KDM1A protein (p.Asp218Gly). This variant is present in population databases (no rsID available, gnomAD 0.007%). This variant has not been reported in the literature in individuals affected with KDM1A-related conditions. Advanced modeling of protein sequence and biophysical properties (such as structural, functional, and spatial information, amino acid conservation, physicochemical variation, residue mobility, and thermodynamic stability) performed at Invitae indicates that this missense variant is not expected to disrupt KDM1A protein function with a negative predictive value of 80%. Algorithms developed to predict the effect of sequence changes on RNA splicing suggest that this variant may create or strengthen a splice site. In summary, the available evidence is currently insufficient to determine the role of this variant in disease. Therefore, it has been classified as a Variant of Uncertain Significance.

NM_001009999.3(KDM1A):c.653A>G (p.Asp218Gly)

Gene: KDM1A (lysine demethylase 1A; plus strand). Cytogenetic location: 1p36.12.
Variant type: single nucleotide variant.
Coding change: c.653A>G on transcript NM_001009999.3 (MANE Select); coding-DNA position 653, A replaced by G.
Protein change: p.Asp218Gly; replaces aspartic acid 218 with glycine.
Molecular consequence: missense variant.
Genome position (GRCh38, 1-based): chr1:23,050,462, A>G. VCF-style: chr1-23050462-A-G. GRCh37 (hg19) VCF-style: chr1-23376955-A-G.
Other names: c.593A>G, p.Asp198Gly (NM_001363654.2, NM_001410763.1, NM_015013.4); c.653A>G, p.Asp218Gly (NM_001410762.1); short protein forms D198G, D218G.
Identifiers: ClinVar variation 3684848 (VCV003684848.2).